The following is an entry in ClinVar:

NM_002858.4(ABCD3):c.1248G>A (p.Lys416=)

Gene: ABCD3 (ATP binding cassette subfamily D member 3; plus strand). Cytogenetic location: 1p21.3.
Variant type: single nucleotide variant.
Coding change: c.1248G>A on transcript NM_002858.4 (MANE Select); coding-DNA position 1248, G replaced by A.
Protein change: p.Lys416=; no amino-acid change (lysine 416 retained).
Molecular consequence: synonymous variant.
Genome position (GRCh38, 1-based): chr1:94,489,815, G>A. VCF-style: chr1-94489815-G-A. GRCh37 (hg19) VCF-style: chr1-94955371-G-A.
Identifiers: ClinVar variation 1478841 (VCV001478841.6), dbSNP rs200036674, ClinGen allele CA960363.

ClinVar aggregate classification (germline): Uncertain significance (1 of 4 stars; one submission).

Allele frequency attached by ClinVar (database versions not stated): gnomAD 0.00002 and 0.00003; ExAC 0.00004; gnomAD exomes 0.00004 and 0.00008; TOPMed 0.00005; 1000 Genomes Project 30x 0.00016; 1000 Genomes Project 0.00020.
gnomAD v4.1: 119 of 1,612,904 alleles (0.0074%); highest among the groups gnomAD compares: Non-Finnish European, 0.0098%; no homozygotes.

Submission:

Labcorp Genetics (formerly Invitae), Labcorp
Classification: Uncertain significance. Last evaluated: 2024-11-11. Review status: criteria provided, single submitter. Criteria: Invitae Variant Classification Sherloc (09022015). Collection method: clinical testing. Allele origin: germline.
Comment: This sequence change affects codon 416 of the ABCD3 mRNA. It is a 'silent' change, meaning that it does not change the encoded amino acid sequence of the ABCD3 protein. It affects a nucleotide within the consensus splice site. This variant is present in population databases (rs200036674, gnomAD 0.007%). This variant has not been reported in the literature in individuals affected with ABCD3-related conditions. ClinVar contains an entry for this variant (Variation ID: 1478841). Algorithms developed to predict the effect of sequence changes on RNA splicing suggest that this variant is not likely to affect RNA splicing. In summary, the available evidence is currently insufficient to determine the role of this variant in disease. Therefore, it has been classified as a Variant of Uncertain Significance.